The following is an entry in ClinVar:

ClinVar aggregate classification (germline): Pathogenic (1 of 4 stars; one submission).

Conditions:
Carnitine palmitoyl transferase 1A deficiency. Also called: Carnitine palmitoyltransferase 1A deficiency; CPT I DEFICIENCY; CPT DEFICIENCY, HEPATIC, TYPE I; Carnitine palmitoyltransferase type I deficiency; CPT deficiency, hepatic, type IA. Identifiers: Orphanet 156, MedGen C1829703, MONDO:0009705, OMIM 255120.

Allele frequency attached by ClinVar (database versions not stated): gnomAD exomes below 0.00001.

Submission:

Labcorp Genetics (formerly Invitae), Labcorp
Classification: Pathogenic for Carnitine palmitoyl transferase 1A deficiency. Last evaluated: 2023-11-14. Review status: criteria provided, single submitter. Criteria: Invitae Variant Classification Sherloc (09022015). Collection method: clinical testing. Allele origin: germline.
Comment: This sequence change creates a premature translational stop signal (p.Asn511Hisfs*49) in the CPT1A gene. It is expected to result in an absent or disrupted protein product. Loss-of-function variants in CPT1A are known to be pathogenic (PMID: 16169268). This variant is not present in population databases (gnomAD no frequency). This variant has not been reported in the literature in individuals affected with CPT1A-related conditions. For these reasons, this variant has been classified as Pathogenic.

Literature cited by the submitters: PubMed 16169268.

NM_001876.4(CPT1A):c.1520_1529dup (p.Asn511fs)

Gene: CPT1A (carnitine palmitoyltransferase 1A; minus strand). Cytogenetic location: 11q13.3.
Variant type: Duplication.
Coding change: c.1520_1529dup on transcript NM_001876.4 (MANE Select); coding-DNA positions 1520 to 1529, 10 bases duplicated (ACATCAATCC; older notation c.1520_1529dupACATCAATCC).
Protein change: p.Asn511fs; shifts the reading frame from asparagine 511.
Molecular consequence: frameshift variant.
Genome position (GRCh38, 1-based): chr11:68,775,362-68,775,371, GGATTGATGT duplicated on the plus strand (ACATCAATCC on the coding strand, the reverse complement: CPT1A is on the minus strand). VCF-style (leftmost placement, unchanged base first): chr11-68775361-C-CGGATTGATGT. GRCh37 (hg19) VCF-style: chr11-68542829-C-CGGATTGATGT.
Other names: c.1520_1529dup, p.Asn511fs (NM_001031847.3); short protein forms N511fs.
Identifiers: ClinVar variation 2695932 (VCV002695932.3), dbSNP rs2495560160, ClinGen allele CA2614734356.
Genomic context (GRCh38, chr11:68,775,361, plus strand): 5'-ATAATCCGGACTTACTTCCCCCGGGATGTCCCACTGCAGCCTGGTGGGGTACGGAATGTT[C>CGGATTGATGT]GGATTGATGTCGCCTTTGCAGTGCCCATCCTCCGCATAGCCCAGCTGGAGGCTGTCAATG-3'